The following is an entry in ClinVar:

ClinVar aggregate classification (germline): Conflicting classifications of pathogenicity. Review status: criteria provided, conflicting classifications (1 of 4 stars). 12 submissions from 9 submitters: Uncertain significance (9); Likely benign (3). Last evaluated 2026-07-01.

Conditions:
Familial medullary thyroid carcinoma (MTC). Also called: Familial Medullary Thyroid Carcinoma (FMTC); Thyroid cancer, familial medullary; MTC, familial. Identifiers: Orphanet 653, Orphanet 99361, MedGen C1833921, MONDO:0007958, OMIM 155240.
Pheochromocytoma. Also called: MAX-Related Hereditary Paraganglioma-Pheochromocytoma Syndrome. Identifiers: Orphanet 29072, MedGen C0031511, MONDO:0008233, OMIM 171300, HP:0002666.
Multiple endocrine neoplasia type 2A. Also called: Multiple Endocrine Neoplasia Type 2A (MEN2A); MULTIPLE ENDOCRINE NEOPLASIA, TYPE IIA; PTC SYNDROME; SIPPLE SYNDROME; MEN 2A; MEN-2A syndrome. Identifiers: Orphanet 247698, Orphanet 653, MedGen C0025268, MeSH D018813, MONDO:0008234, OMIM 171400.
Hirschsprung disease, susceptibility to, 1 (HSCR1). Also called: RET-Related Hirschsprung Disease. Identifiers: Orphanet 388, MedGen C3888239, MONDO:0007723, OMIM 142623.
Multiple endocrine neoplasia type 2B. Also called: WAGENMANN-FROBOESE SYNDROME; MULTIPLE ENDOCRINE NEOPLASIA, TYPE III; MUCOSAL NEUROMA SYNDROME; Multiple Endocrine Neoplasia Type 2B (MEN2B); Multiple endocrine neoplasia, type 3; MULTIPLE ENDOCRINE NEOPLASIA, TYPE IIB. Identifiers: Orphanet 247709, Orphanet 653, MedGen C0025269, MeSH D018814, MONDO:0008082, OMIM 162300.
RET-related disorder. Also called: RET-related disorders; RET-related condition; RET-related disease.
Hereditary cancer-predisposing syndrome. Also called: Hereditary Cancer Syndrome; Hereditary neoplastic syndrome; Tumor predisposition; Neoplastic Syndromes, Hereditary. Identifiers: Orphanet 140162, MedGen C0027672, MeSH D009386, MONDO:0015356.
Multiple endocrine neoplasia, type 2 (MEN2). Identifiers: Orphanet 653, MedGen C4048306, MONDO:0019003. Disease mechanism: gain of function.
Renal hypodysplasia/aplasia 1 (RHDA1). Also called: RENAL APLASIA; HEREDITARY RENAL APLASIA. Identifiers: Orphanet 411709, MedGen C1619700, MONDO:0024519, OMIM 191830.
Multiple endocrine neoplasia. Identifiers: Orphanet 276161, MedGen C0027662, MONDO:0017169.

Allele frequency attached by ClinVar (database versions not stated): gnomAD 0.00003 and 0.00004; TOPMed 0.00004; ESP Exome Variant Server 0.00008.

Submissions (12):

PreventionGenetics, part of Exact Sciences
Classification: Uncertain significance for RET-related condition. Last evaluated: 2026-07-01. Review status: criteria provided, single submitter. Criteria: ACMG Guidelines, 2015. Collection method: clinical testing. Allele origin: germline.
Comment: The RET c.718G>C variant is predicted to result in the amino acid substitution p.Val240Leu. This variant was reported in an individual with Hirschsprung disease (Khairi et al. 2020. PubMed ID: 32761341). This variant is reported in 0.0028% of alleles in individuals of European (Non-Finnish) descent in gnomAD and has conflicting interpretations in ClinVar ranging from likely benign to uncertain (Variation ID: 477383). At this time, the clinical significance of this variant is uncertain due to the absence of conclusive functional and genetic evidence.

Labcorp Genetics (formerly Invitae), Labcorp
Classification: Uncertain significance for Multiple endocrine neoplasia, type 2. Last evaluated: 2026-01-19. Review status: criteria provided, single submitter. Criteria: Invitae Variant Classification Sherloc (09022015). Collection method: clinical testing. Allele origin: germline.
Comment: This sequence change replaces valine, which is neutral and non-polar, with leucine, which is neutral and non-polar, at codon 240 of the RET protein (p.Val240Leu). This variant is present in population databases (rs375120544, gnomAD 0.0009%). This variant has not been reported in the literature in individuals affected with RET-related conditions. ClinVar contains an entry for this variant (Variation ID: 477383). An algorithm developed to predict the effect of missense changes on protein structure and function (PolyPhen-2) suggests that this variant is likely to be tolerated. In summary, the available evidence is currently insufficient to determine the role of this variant in disease. Therefore, it has been classified as a Variant of Uncertain Significance.

GeneDx
Classification: Uncertain significance. Last evaluated: 2025-09-15. Review status: criteria provided, single submitter. Criteria: GeneDx Variant Classification Process June 2021. Collection method: clinical testing. Allele origin: germline. Affected: yes.
Comment: Not observed at significant frequency in large population cohorts (gnomAD); In silico analysis suggests that this missense variant does not alter protein structure/function; Observed in an individual with primary hyperparathyroidism (PMID: 32761341); This variant is associated with the following publications: (PMID: 32761341, 14633923)

Color Diagnostics, LLC DBA Color Health
Classification: Uncertain significance for Multiple endocrine neoplasia, type 2. Last evaluated: 2024-03-21. Review status: criteria provided, single submitter. Criteria: ACMG Guidelines, 2015. Collection method: clinical testing. Allele origin: germline.
Comment: This missense variant replaces valine with leucine at codon 240 of the RET protein. Computational prediction suggests that this variant may not impact protein structure and function. To our knowledge, functional studies have not been reported for this variant. This variant has been observed in an individual with primary hyperparathyroidism (PMID: 32761341). This variant has been identified in 3/238682 chromosomes in the general population by the Genome Aggregation Database (gnomAD). The available evidence is insufficient to determine the role of this variant in disease conclusively. Therefore, this variant is classified as a Variant of Uncertain Significance.

Fulgent Genetics
Classification: Uncertain significance for Hirschsprung disease, susceptibility to, 1; Familial medullary thyroid carcinoma; Multiple endocrine neoplasia type 2B; Pheochromocytoma; Multiple endocrine neoplasia type 2A. Last evaluated: 2024-03-01. Review status: criteria provided, single submitter. Criteria: ACMG Guidelines, 2015. Collection method: clinical testing. Allele origin: germline.

Baylor Genetics
Classification: Uncertain significance for Hirschsprung disease, susceptibility to, 1. Last evaluated: 2023-09-29. Review status: criteria provided, single submitter. Criteria: ACMG Guidelines, 2015. Collection method: clinical testing. Allele origin: unknown.

Ambry Genetics
Classification: Likely benign for Hereditary cancer-predisposing syndrome. Last evaluated: 2023-06-07. Review status: criteria provided, single submitter. Criteria: Ambry Variant Classification Scheme 2023. Collection method: clinical testing. Allele origin: germline.

Sema4
Classification: Uncertain significance for Hereditary cancer-predisposing syndrome. Last evaluated: 2022-03-01. Review status: criteria provided, single submitter. Criteria: Sema4 Curation Guidelines. Collection method: curation. Allele origin: germline.
Comment: The RET c.718G>C (p.V240L) variant has been reported in at least one individual undergoing genetic testing for potential Hirschsprung disease (PMID: 32761341). This variant was observed in 3/108108 chromosomes in the Non-Finnish European population according to the Genome Aggregation Database (PMID: 32461654). The variant has been reported in ClinVar (Variation ID: 477383). Functional studies have not been performed, and in silico predictions of the variant's effect on protein function are inconclusive. The evidence is insufficient to meet ACMG/AMP criteria for classifying the variant as benign or pathogenic. Thus, the clinical significance of this variant is currently uncertain.

Illumina Laboratory Services, Illumina
Classification: Likely benign for Pheochromocytoma. Last evaluated: 2018-01-13. Review status: criteria provided, single submitter. Criteria: ICSL Variant Classification Criteria 13 December 2019. Collection method: clinical testing. Allele origin: germline.
Comment: This variant was observed in the ICSL laboratory as part of a predisposition screen in an ostensibly healthy population. It had not been previously curated by ICSL or reported in the Human Gene Mutation Database (HGMD: prior to June 1st, 2018), and was therefore a candidate for classification through an automated scoring system. Utilizing variant allele frequency, disease prevalence and penetrance estimates, and inheritance mode, an automated score was calculated to assess if this variant is too frequent to cause the disease. Based on the score and internal cut-off values, a variant classified as likely benign is not then subjected to further curation. The score for this variant resulted in a classification of likely benign for this disease.

Illumina Laboratory Services, Illumina
Classification: Uncertain significance for Hirschsprung disease, susceptibility to, 1. Last evaluated: 2018-01-13. Review status: criteria provided, single submitter. Criteria: ICSL Variant Classification Criteria 13 December 2019. Collection method: clinical testing. Allele origin: germline.

Illumina Laboratory Services, Illumina
Classification: Likely benign for Multiple endocrine neoplasia. Last evaluated: 2018-01-13. Review status: criteria provided, single submitter. Criteria: ICSL Variant Classification Criteria 13 December 2019. Collection method: clinical testing. Allele origin: germline.
Comment: the same text as in the submission from Illumina Laboratory Services, Illumina above.

Illumina Laboratory Services, Illumina
Classification: Uncertain significance for Renal hypodysplasia/aplasia 1. Last evaluated: 2018-01-13. Review status: criteria provided, single submitter. Criteria: ICSL Variant Classification Criteria 13 December 2019. Collection method: clinical testing. Allele origin: germline.

Literature cited by the submitters: PubMed 32761341 (cited by Color Diagnostics, LLC DBA Color Health and Sema4).

NM_020975.6(RET):c.718G>C (p.Val240Leu)

Gene: RET (ret proto-oncogene; plus strand). Cytogenetic location: 10q11.21.
Variant type: single nucleotide variant.
Coding change: c.718G>C on transcript NM_020975.6 (MANE Select); coding-DNA position 718, G replaced by C.
Protein change: p.Val240Leu; replaces valine 240 with leucine.
Molecular consequence: missense variant.
Genome position (GRCh38, 1-based): chr10:43,105,044, G>C. VCF-style: chr10-43105044-G-C. GRCh37 (hg19) VCF-style: chr10-43600492-G-C.
Other names: c.718G>C, p.Val240Leu (NM_000323.2, NM_001406743.1, NM_001406744.1 and 8 more transcripts); c.-45G>C (NM_001355216.2); c.589G>C, p.Val197Leu (NM_001406761.1, NM_001406762.1, NM_001406764.1 and 2 more transcripts); c.430G>C, p.Val144Leu (NM_001406766.1, NM_001406767.1, NM_001406770.1); short protein forms V240L, V144L, V197L.
Identifiers: ClinVar variation 477383 (VCV000477383.24), dbSNP rs375120544, ClinGen allele CA044589.
Genomic context (GRCh38, chr10:43,105,044, plus strand): 5'-AGCCTGGAGGTGAGCACGCGCTGGGCCCTGGACCGCGAGCAGCGGGAGAAGTACGAGCTG[G>C]TGGCCGTGTGCACCGTGCACGCCGGCGCGCGCGAGGAGGTGGTGATGGTGCCCTTCCCGG-3'
Protein context (NP_066124.1, residues 230-250): DREQREKYEL[Val240Leu]AVCTVHAGAR